The following is an entry in ClinVar:

ClinVar aggregate classification (germline): Uncertain significance (1 of 4 stars; one submission).

Conditions:
Hereditary cancer-predisposing syndrome. Also called: Hereditary Cancer Syndrome; Hereditary neoplastic syndrome; Neoplastic Syndromes, Hereditary; Tumor predisposition. Identifiers: Orphanet 140162, MedGen C0027672, MeSH D009386, MONDO:0015356.

Submission:

Ambry Genetics
Classification: Uncertain significance for Hereditary cancer-predisposing syndrome. Last evaluated: 2017-07-11. Review status: criteria provided, single submitter. Criteria: Ambry Variant Classification Scheme 2023. Collection method: clinical testing. Allele origin: germline.
Comment: The p.E200A variant (also known as c.599A>C), located in coding exon 8 of the BAP1 gene, results from an A to C substitution at nucleotide position 599. The glutamic acid at codon 200 is replaced by alanine, an amino acid with dissimilar properties. This amino acid position is highly conserved in available vertebrate species. In addition, the in silico prediction for this alteration is inconclusive. Since supporting evidence is limited at this time, the clinical significance of this alteration remains unclear.

NM_004656.4(BAP1):c.599A>C (p.Glu200Ala)

Gene: BAP1 (BRCA1 associated deubiquitinase 1; minus strand). Cytogenetic location: 3p21.1.
Variant type: single nucleotide variant.
Coding change: c.599A>C on transcript NM_004656.4 (MANE Select); coding-DNA position 599, A replaced by C.
Protein change: p.Glu200Ala; replaces glutamic acid 200 with alanine.
Molecular consequence: missense variant.
Genome position (GRCh38, 1-based): chr3:52,406,889, T>G on the plus strand (A>C on the coding strand, the complement: BAP1 is on the minus strand). VCF-style: chr3-52406889-T-G. GRCh37 (hg19) VCF-style: chr3-52440905-T-G.
Other names: c.599A>C, p.Glu200Ala (NM_001410772.1); short protein forms E200A.
Identifiers: ClinVar variation 1750928 (VCV001750928.2), dbSNP rs2153227655, ClinGen allele CA353109106.